The following is an entry in ClinVar:

NM_020975.6(RET):c.2128A>G (p.Lys710Glu)

Gene: RET (ret proto-oncogene; plus strand). Cytogenetic location: 10q11.21.
Variant type: single nucleotide variant.
Coding change: c.2128A>G on transcript NM_020975.6 (MANE Select); coding-DNA position 2128, A replaced by G.
Protein change: p.Lys710Glu; replaces lysine 710 with glutamic acid.
Molecular consequence: missense variant.
Genome position (GRCh38, 1-based): chr10:43,114,728, A>G. VCF-style: chr10-43114728-A-G. GRCh37 (hg19) VCF-style: chr10-43610176-A-G.
Other names: c.2128A>G, p.Lys710Glu (NM_000323.2, NM_001406743.1, NM_001406744.1 and 4 more transcripts); c.1366A>G, p.Lys456Glu (NM_001355216.2); c.1999A>G, p.Lys667Glu (NM_001406761.1, NM_001406762.1, NM_001406764.1); c.1993A>G, p.Lys665Glu (NM_001406763.1, NM_001406765.1); c.1840A>G, p.Lys614Glu (NM_001406766.1, NM_001406767.1, NM_001406770.1); c.1864A>G, p.Lys622Glu (NM_001406768.1); c.1732A>G, p.Lys578Glu (NM_001406769.1, NM_001406772.1); c.1690A>G, p.Lys564Glu (NM_001406771.1, NM_001406773.1); and 10 more; short protein forms K710E, K456E, K614E, K275E, K366E, K371E, K468E, K535E.
Identifiers: ClinVar variation 405540 (VCV000405540.14), dbSNP rs3026760, ClinGen allele CA16613023.
Genomic context (GRCh38, chr10:43,114,728, plus strand): 5'-TCCGGTGCCCGCCGGCCCTCGCTGGACTCCATGGAGAACCAGGTCTCCGTGGATGCCTTC[A>G]AGATCCTGGTGAGGGTCCCTGCGGGGCAGGGAAGATCCCCTGCCCTCCCCAGCTGCCTTC-3'
Protein context (NP_066124.1, residues 700-720): MENQVSVDAF[Lys710Glu]ILEDPKWEFP

ClinVar aggregate classification (germline): Uncertain significance. Review status: criteria provided, multiple submitters, no conflicts (2 of 4 stars). 6 submissions from 6 submitters: Uncertain significance (6). Last evaluated 2026-01-14.

Conditions:
Multiple endocrine neoplasia, type 2 (MEN2). Identifiers: Orphanet 653, MedGen C4048306, MONDO:0019003. Disease mechanism: gain of function.
Hirschsprung disease, susceptibility to, 1 (HSCR1). Also called: RET-Related Hirschsprung Disease. Identifiers: Orphanet 388, MedGen C3888239, MONDO:0007723, OMIM 142623.
Multiple endocrine neoplasia type 2B. Also called: WAGENMANN-FROBOESE SYNDROME; MULTIPLE ENDOCRINE NEOPLASIA, TYPE III; MULTIPLE ENDOCRINE NEOPLASIA, TYPE IIB; MEN IIB; NEUROMATA, MUCOSAL, WITH ENDOCRINE TUMORS; MEN 2B. Identifiers: Orphanet 247709, Orphanet 653, MedGen C0025269, MeSH D018814, MONDO:0008082, OMIM 162300.
Pheochromocytoma. Also called: MAX-Related Hereditary Paraganglioma-Pheochromocytoma Syndrome. Identifiers: Orphanet 29072, MedGen C0031511, MONDO:0008233, OMIM 171300, HP:0002666.
Familial medullary thyroid carcinoma (MTC). Also called: Thyroid cancer, familial medullary; MTC, familial; Familial Medullary Thyroid Carcinoma (FMTC). Identifiers: Orphanet 653, Orphanet 99361, MedGen C1833921, MONDO:0007958, OMIM 155240.
Multiple endocrine neoplasia type 2A. Also called: Multiple Endocrine Neoplasia Type 2A (MEN2A); MULTIPLE ENDOCRINE NEOPLASIA, TYPE IIA; PTC SYNDROME; SIPPLE SYNDROME; MEN 2A; MEN-2A syndrome. Identifiers: Orphanet 247698, Orphanet 653, MedGen C0025268, MeSH D018813, MONDO:0008234, OMIM 171400.
Hereditary cancer-predisposing syndrome. Also called: Tumor predisposition; Hereditary Cancer Syndrome; Hereditary neoplastic syndrome; Neoplastic Syndromes, Hereditary. Identifiers: Orphanet 140162, MedGen C0027672, MeSH D009386, MONDO:0015356.

Allele frequency attached by ClinVar (database versions not stated): gnomAD exomes below 0.00001.
gnomAD v4.1: 5 of 1,609,660 alleles (0.00031%); highest among the groups gnomAD compares: Non-Finnish European, 0.00042%; no homozygotes.

Submissions (6):

Labcorp Genetics (formerly Invitae), Labcorp
Classification: Uncertain significance for Multiple endocrine neoplasia, type 2. Last evaluated: 2026-01-14. Review status: criteria provided, single submitter. Criteria: Invitae Variant Classification Sherloc (09022015). Collection method: clinical testing. Allele origin: germline.
Comment: This sequence change replaces lysine, which is basic and polar, with glutamic acid, which is acidic and polar, at codon 710 of the RET protein (p.Lys710Glu). The frequency data for this variant in the population databases is considered unreliable, as metrics indicate poor data quality at this position in the gnomAD database. This variant has not been reported in the literature in individuals affected with RET-related conditions. ClinVar contains an entry for this variant (Variation ID: 405540). An algorithm developed to predict the effect of missense changes on protein structure and function (PolyPhen-2) suggests that this variant is likely to be tolerated. In summary, the available evidence is currently insufficient to determine the role of this variant in disease. Therefore, it has been classified as a Variant of Uncertain Significance.

Ambry Genetics
Classification: Uncertain significance for Hereditary cancer-predisposing syndrome. Last evaluated: 2025-09-01. Review status: criteria provided, single submitter. Criteria: Ambry Variant Classification Scheme 2023. Collection method: clinical testing. Allele origin: germline.
Comment: The p.K710E variant (also known as c.2128A>G), located in coding exon 11 of the RET gene, results from an A to G substitution at nucleotide position 2128. The lysine at codon 710 is replaced by glutamic acid, an amino acid with similar properties. This amino acid position is highly conserved in available vertebrate species. In addition, this alteration is predicted to be deleterious by in silico analysis. Since supporting evidence is limited at this time, the clinical significance of this alteration remains unclear.

Color Diagnostics, LLC DBA Color Health
Classification: Uncertain significance for Multiple endocrine neoplasia, type 2. Last evaluated: 2025-07-05. Review status: criteria provided, single submitter. Criteria: ACMG Guidelines, 2015. Collection method: clinical testing. Allele origin: germline.
Comment: This missense variant replaces lysine with glutamic acid at codon 710 of the RET protein. Computational prediction suggests that this variant may have deleterious impact on protein structure and function. To our knowledge, functional studies have not been reported for this variant. This variant has not been reported in individuals affected with hereditary cancer in the literature. This variant has been identified in 1/245262 chromosomes in the general population by the Genome Aggregation Database (gnomAD). The available evidence is insufficient to determine the role of this variant in disease conclusively. Therefore, this variant is classified as a Variant of Uncertain Significance.

All of Us Research Program, National Institutes of Health
Classification: Uncertain significance for Multiple endocrine neoplasia, type 2. Last evaluated: 2023-05-30. Review status: criteria provided, single submitter. Criteria: ACMG Guidelines, 2015. Collection method: clinical testing. Allele origin: germline. Inheritance: Autosomal dominant inheritance. Observed: 2 variant alleles, 2 heterozygotes.
Comment: This missense variant replaces lysine with glutamic acid at codon 710 of the RET protein. Computational prediction suggests that this variant may have deleterious impact on protein structure and function (internally defined REVEL score threshold >= 0.7, PMID: 27666373). To our knowledge, functional studies have not been reported for this variant. This variant has not been reported in individuals affected with hereditary cancer in the literature. This variant has been identified in 1/245262 chromosomes in the general population by the Genome Aggregation Database (gnomAD). The available evidence is insufficient to determine the role of this variant in disease conclusively. Therefore, this variant is classified as a Variant of Uncertain Significance.

This study involves interpretation of variants in research participants for the purpose of population health screening. Participant phenotype was not available at the time of variant classification. Additional details can be found in publication PMID: 35346344, PMCID: PMC8962531

Quest Diagnostics Nichols Institute San Juan Capistrano
Classification: Uncertain significance. Last evaluated: 2022-11-02. Review status: criteria provided, single submitter. Criteria: Quest Diagnostics criteria. Collection method: clinical testing. Allele origin: unknown.
Comment: To the best of our knowledge, the variant has not been reported in the published literature. The frequency of this variant in the general population, 0.0000041 (1/245262 chromosomes), is uninformative in assessment of its pathogenicity. Analysis of this variant using bioinformatics tools for the prediction of the effect of amino acid changes on protein structure and function yielded predictions that this variant is damaging. Based on the available information, we are unable to determine the clinical significance of this variant.

Fulgent Genetics
Classification: Uncertain significance for Hirschsprung disease, susceptibility to, 1; Familial medullary thyroid carcinoma; Multiple endocrine neoplasia type 2B; Pheochromocytoma; Multiple endocrine neoplasia type 2A. Last evaluated: 2022-03-28. Review status: criteria provided, single submitter. Criteria: ACMG Guidelines, 2015. Collection method: clinical testing. Allele origin: unknown.